The following is an entry in ClinVar:

NM_014625.4(NPHS2):c.1038A>G (p.Leu346=)

Genes: AXDND1 (axonemal dynein light chain domain containing 1; plus strand), NPHS2 (NPHS2 stomatin family member, podocin; minus strand). Cytogenetic location: 1q25.2.
Variant type: single nucleotide variant.
Coding change: c.1038A>G on transcript NM_014625.4 (MANE Select); coding-DNA position 1038, A replaced by G.
Protein change: p.Leu346=; no amino-acid change (leucine 346 retained).
Molecular consequence: synonymous variant. On other transcripts: intron variant (1).
Genome position (GRCh38, 1-based): chr1:179,551,287, T>C on the plus strand (A>G on the coding strand, the complement: NPHS2 is on the minus strand). VCF-style: chr1-179551287-T-C. GRCh37 (hg19) VCF-style: chr1-179520422-T-C.
Other names: p.Leu346=; c.834A>G, p.Leu278= (NM_001297575.2); c.3032-3225T>C (NM_144696.6).
Identifiers: ClinVar variation 260425 (VCV000260425.21), dbSNP rs3818587, ClinGen allele CA1267035.

ClinVar aggregate classification (germline): Benign/Likely benign. Review status: criteria provided, multiple submitters, no conflicts (2 of 4 stars). 10 submissions from 10 submitters: Benign (6); Likely benign (3). 1 of the submissions does not count toward it. Last evaluated 2026-02-04.

Conditions:
Nephrotic syndrome, type 2 (NPHS2). Also called: NEPHROTIC SYNDROME, STEROID-RESISTANT, AUTOSOMAL RECESSIVE. Identifiers: Orphanet 656, MedGen C1868672, MONDO:0010974, OMIM 600995.
Steroid-resistant nephrotic syndrome. Identifiers: MedGen C0403397, MONDO:0044765, HP:0012588.

Allele frequency attached by ClinVar (database versions not stated): 1000 Genomes Project 0.07109; gnomAD exomes 0.07346 and 0.08461; ExAC 0.07372; 1000 Genomes Project 30x 0.07386; TOPMed 0.08002; gnomAD 0.08438 and 0.08745; ESP Exome Variant Server 0.08957.
gnomAD v4.1: 136,431 of 1,613,852 alleles (8.5%); highest among the groups gnomAD compares: Non-Finnish European, 9.1%; 6,329 homozygotes.

Submissions (10):

Labcorp Genetics (formerly Invitae), Labcorp
Classification: Benign. Last evaluated: 2026-02-04. Review status: criteria provided, single submitter. Criteria: Invitae Variant Classification Sherloc (09022015). Collection method: clinical testing. Allele origin: germline.

Blueprint Genetics
Classification: Benign. Last evaluated: 2024-11-26. Review status: criteria provided, single submitter. Criteria: ACMG Guidelines, 2015. Collection method: clinical testing. Allele origin: germline.

Genome-Nilou Lab
Classification: Likely benign for Nephrotic syndrome, type 2. Last evaluated: 2023-04-11. Review status: criteria provided, single submitter. Criteria: ACMG Guidelines, 2015. Collection method: clinical testing. Allele origin: germline. Affected: no.

Mayo Clinic Laboratories, Mayo Clinic
Classification: Benign. Last evaluated: 2022-03-09. Review status: criteria provided, single submitter. Criteria: ACMG Guidelines, 2015. Collection method: clinical testing. Allele origin: germline. Observed: 24 variant alleles.

GeneDx
Classification: Benign. Last evaluated: 2018-11-05. Review status: criteria provided, single submitter. Criteria: GeneDx Variant Classification Process June 2021. Collection method: clinical testing. Allele origin: germline. Affected: yes.

Illumina Laboratory Services, Illumina
Classification: Likely benign for Nephrotic syndrome, type 2. Last evaluated: 2018-03-06. Review status: criteria provided, single submitter. Criteria: ICSL Variant Classification Criteria 13 December 2019. Collection method: clinical testing. Allele origin: germline.
Comment: This variant was observed in the ICSL laboratory as part of a predisposition screen in an ostensibly healthy population. It had not been previously curated by ICSL or reported in the Human Gene Mutation Database (HGMD: prior to June 1st, 2018), and was therefore a candidate for classification through an automated scoring system. Utilizing variant allele frequency, disease prevalence and penetrance estimates, and inheritance mode, an automated score was calculated to assess if this variant is too frequent to cause the disease. Based on the score and internal cut-off values, a variant classified as likely benign is not then subjected to further curation. The score for this variant resulted in a classification of likely benign for this disease.

Athena Diagnostics
Classification: Benign for Nephrotic syndrome, type 2. Last evaluated: 2017-04-29. Review status: criteria provided, single submitter. Criteria: Athena Diagnostics Criteria. Collection method: clinical testing. Allele origin: germline.

Breakthrough Genomics
Classification: Likely benign. Review status: criteria provided, single submitter. Criteria: ACMG Guidelines, 2015. Collection method: not provided. Allele origin: germline. Inheritance: Autosomal recessive inheritance. Affected: yes.

PreventionGenetics, part of Exact Sciences
Classification: Benign. Review status: criteria provided, single submitter. Criteria: ACMG Guidelines, 2015. Collection method: clinical testing. Allele origin: germline.

Natera, Inc.
Classification: Benign for Steroid-resistant nephrotic syndrome. Last evaluated: 2020-09-16. Review status: no assertion criteria provided. Collection method: clinical testing. Allele origin: germline. Not counted in ClinVar's aggregate classification.